The following is an entry in ClinVar:

ClinVar aggregate classification (germline): Uncertain significance (1 of 4 stars; one submission).

Conditions:
COL4A4-related disorder.

Allele frequency attached by ClinVar (database versions not stated): gnomAD 0.00001; TOPMed 0.00001; gnomAD exomes 0.00002.
gnomAD v4.1: 25 of 1,613,988 alleles (0.0015%); highest among the groups gnomAD compares: Non-Finnish European, 0.0019%; no homozygotes.

Submission:

PreventionGenetics, part of Exact Sciences
Classification: Uncertain significance for COL4A4-related condition. Last evaluated: 2023-07-12. Review status: criteria provided, single submitter. Criteria: ACMG Guidelines, 2015. Collection method: clinical testing. Allele origin: germline.
Comment: The COL4A4 c.4141C>T variant is predicted to result in the amino acid substitution p.Leu1381Phe. To our knowledge, this variant has not been reported in the literature. This variant is reported in 0.0065% of alleles in individuals of European (Non-Finnish) descent in gnomAD. At this time, the clinical significance of this variant is uncertain due to the absence of conclusive functional and genetic evidence.

NM_000092.5(COL4A4):c.4141C>T (p.Leu1381Phe)

Gene: COL4A4 (collagen type IV alpha 4 chain; minus strand). Cytogenetic location: 2q36.3.
Variant type: single nucleotide variant.
Coding change: c.4141C>T on transcript NM_000092.5 (MANE Select); coding-DNA position 4141, C replaced by T.
Protein change: p.Leu1381Phe; replaces leucine 1381 with phenylalanine.
Molecular consequence: missense variant.
Genome position (GRCh38, 1-based): chr2:227,022,123, G>A on the plus strand (C>T on the coding strand, the complement: COL4A4 is on the minus strand). VCF-style: chr2-227022123-G-A. GRCh37 (hg19) VCF-style: chr2-227886839-G-A.
Other names: short protein forms L1381F.
Identifiers: ClinVar variation 2632052 (VCV002632052.1), dbSNP rs1303758821, ClinGen allele CA350836779.